The following is an entry in ClinVar:

ClinVar aggregate classification (germline): Uncertain significance (1 of 4 stars; one submission).

Submission:

Labcorp Genetics (formerly Invitae), Labcorp
Classification: Uncertain significance. Last evaluated: 2024-09-27. Review status: criteria provided, single submitter. Criteria: Invitae Variant Classification Sherloc (09022015). Collection method: clinical testing. Allele origin: germline.
Comment: This sequence change replaces proline, which is neutral and non-polar, with serine, which is neutral and polar, at codon 26 of the TGFB1 protein (p.Pro26Ser). This variant is not present in population databases (gnomAD no frequency). This variant has not been reported in the literature in individuals affected with TGFB1-related conditions. An algorithm developed to predict the effect of missense changes on protein structure and function (PolyPhen-2) suggests that this variant is likely to be disruptive. In summary, the available evidence is currently insufficient to determine the role of this variant in disease. Therefore, it has been classified as a Variant of Uncertain Significance.

NM_000660.7(TGFB1):c.76C>T (p.Pro26Ser)

Gene: TGFB1 (transforming growth factor beta 1; minus strand). Cytogenetic location: 19q13.2.
Variant type: single nucleotide variant.
Coding change: c.76C>T on transcript NM_000660.7 (MANE Select); coding-DNA position 76, C replaced by T.
Protein change: p.Pro26Ser; replaces proline 26 with serine.
Molecular consequence: missense variant.
Genome position (GRCh38, 1-based): chr19:41,352,969, G>A on the plus strand (C>T on the coding strand, the complement: TGFB1 is on the minus strand). VCF-style: chr19-41352969-G-A. GRCh37 (hg19) VCF-style: chr19-41858874-G-A.
Other names: short protein forms P26S.
Identifiers: ClinVar variation 3693318 (VCV003693318.2).